The following is an entry in ClinVar:

ClinVar aggregate classification (germline): Conflicting classifications of pathogenicity. Review status: criteria provided, conflicting classifications (1 of 4 stars). 2 submissions from 2 submitters: Uncertain significance (1); Likely benign (1). Last evaluated 2024-04-15.

Conditions:
Duchenne muscular dystrophy (DMD). Also called: Duchenne Muscular Dystrophy (DMD); MUSCULAR DYSTROPHY, PSEUDOHYPERTROPHIC PROGRESSIVE, DUCHENNE TYPE. Identifiers: Orphanet 98896, MedGen C0013264, MONDO:0010679, OMIM 310200.
Cardiovascular phenotype. Identifiers: MedGen CN230736.

Allele frequency attached by ClinVar (database versions not stated): gnomAD exomes below 0.00001; TOPMed 0.00001; gnomAD 0.00002.
gnomAD v4.1: 5 of 1,209,283 alleles (0.00041%); highest among the groups gnomAD compares: African/African-American, 0.007%; no homozygotes.

Submissions (2):

Ambry Genetics
Classification: Likely benign for Cardiovascular phenotype. Last evaluated: 2024-04-15. Review status: criteria provided, single submitter. Criteria: Ambry Variant Classification Scheme 2023. Collection method: clinical testing. Allele origin: germline.

Labcorp Genetics (formerly Invitae), Labcorp
Classification: Uncertain significance for Duchenne muscular dystrophy. Last evaluated: 2022-03-10. Review status: criteria provided, single submitter. Criteria: Invitae Variant Classification Sherloc (09022015). Collection method: clinical testing. Allele origin: germline.
Comment: This sequence change replaces valine, which is neutral and non-polar, with leucine, which is neutral and non-polar, at codon 2088 of the DMD protein (p.Val2088Leu). This variant is present in population databases (no rsID available, gnomAD 0.008%). This variant has not been reported in the literature in individuals affected with DMD-related conditions. Algorithms developed to predict the effect of missense changes on protein structure and function output the following: SIFT: "Tolerated"; PolyPhen-2: "Benign"; Align-GVGD: "Class C0". The leucine amino acid residue is found in multiple mammalian species, which suggests that this missense change does not adversely affect protein function. In summary, the available evidence is currently insufficient to determine the role of this variant in disease. Therefore, it has been classified as a Variant of Uncertain Significance.

NM_004006.3(DMD):c.6262G>C (p.Val2088Leu)

Gene: DMD (dystrophin; minus strand). Cytogenetic location: Xp21.1.
Variant type: single nucleotide variant.
Coding change: c.6262G>C on transcript NM_004006.3 (MANE Select); coding-DNA position 6262, G replaced by C.
Protein change: p.Val2088Leu; replaces valine 2088 with leucine.
Molecular consequence: missense variant.
Genome position (GRCh38, 1-based): chrX:32,287,557, C>G on the plus strand (G>C on the coding strand, the complement: DMD is on the minus strand). VCF-style: chrX-32287557-C-G. GRCh37 (hg19) VCF-style: chrX-32305674-C-G.
Other names: c.6262G>C (NM_004006.2); c.6238G>C, p.Val2080Leu (NM_000109.4); c.6250G>C, p.Val2084Leu (NM_004009.3); c.5893G>C, p.Val1965Leu (NM_004010.3); c.2239G>C, p.Val747Leu (NM_004011.4); c.2230G>C, p.Val744Leu (NM_004012.4); short protein forms V1965L, V2080L, V2088L, V744L, V747L, V2084L.
Identifiers: ClinVar variation 1469141 (VCV001469141.4), dbSNP rs1215888256, ClinGen allele CA412665703.